The following is an entry in ClinVar:

NM_002929.3(GRK1):c.553A>G (p.Met185Val)

Gene: GRK1 (G protein-coupled receptor kinase 1; plus strand). Cytogenetic location: 13q34.
Variant type: single nucleotide variant.
Coding change: c.553A>G on transcript NM_002929.3 (MANE Select); coding-DNA position 553, A replaced by G.
Protein change: p.Met185Val; replaces methionine 185 with valine.
Molecular consequence: missense variant.
Genome position (GRCh38, 1-based): chr13:113,667,939, A>G. VCF-style: chr13-113667939-A-G. GRCh37 (hg19) VCF-style: chr13-114322254-A-G.
Other names: c.553A>G (NM_002929.2); short protein forms M185V.
Identifiers: ClinVar variation 4920708 (VCV004920708.2).

ClinVar aggregate classification (germline): Uncertain significance. Review status: criteria provided, multiple submitters, no conflicts (2 of 4 stars). 2 submissions from 2 submitters: Uncertain significance (2). Last evaluated 2026-08-28.

Conditions:
GRK1-related disorder. Also called: GRK1-related condition.

Submissions (2):

PreventionGenetics, part of Exact Sciences
Classification: Uncertain significance for GRK1-related condition. Last evaluated: 2026-08-28. Review status: criteria provided, single submitter. Criteria: ACMG Guidelines, 2015. Collection method: clinical testing. Allele origin: germline.
Comment: The GRK1 c.553A>G variant is predicted to result in the amino acid substitution p.Met185Val. To our knowledge, this variant has not been reported in the literature. This variant is reported in 0.017% of alleles in individuals of Latino descent in gnomAD including a homozygous individual. At this time, the clinical significance of this variant is uncertain due to the absence of conclusive functional and genetic evidence.

Blueprint Genetics
Classification: Uncertain significance. Last evaluated: 2024-10-18. Review status: criteria provided, single submitter. Criteria: ACMG Guidelines, 2015. Collection method: clinical testing. Allele origin: germline.